The following is an entry in ClinVar:

NM_030930.4(UNC93B1):c.642G>A (p.Ala214=)

Gene: UNC93B1 (unc-93B1 regulator of TLR signaling; minus strand). Cytogenetic location: 11q13.2.
Variant type: single nucleotide variant.
Coding change: c.642G>A on transcript NM_030930.4 (MANE Select); coding-DNA position 642, G replaced by A.
Protein change: p.Ala214=; no amino-acid change (alanine 214 retained).
Molecular consequence: synonymous variant.
Genome position (GRCh38, 1-based): chr11:67,999,218, C>T on the plus strand (G>A on the coding strand, the complement: UNC93B1 is on the minus strand). VCF-style: chr11-67999218-C-T. GRCh37 (hg19) VCF-style: chr11-67766688-C-T.
Other names: c.642G>A (NM_030930.2).
Identifiers: ClinVar variation 470500 (VCV000470500.20), dbSNP rs201137048, ClinGen allele CA6145583.

ClinVar aggregate classification (germline): Likely benign. Review status: criteria provided, multiple submitters, no conflicts (2 of 4 stars). 4 submissions from 4 submitters: Likely benign (4). Last evaluated 2026-02-01.

Conditions:
Encephalopathy, acute, infection-induced (herpes-specific), susceptibility to, 1. Also called: Herpes simplex encephalitis, susceptibility to, 1. Identifiers: Orphanet 1930, MedGen C2750180, MONDO:0024563, OMIM 610551.

Allele frequency attached by ClinVar (database versions not stated): gnomAD 0.00038; TOPMed 0.00057; gnomAD exomes 0.00080 and 0.00064; ESP Exome Variant Server 0.00081.
gnomAD v4.1: 1,278 of 1,613,802 alleles (0.079%); highest among the groups gnomAD compares: Non-Finnish European, 0.093%; 1 homozygote.

Submissions (4):

CeGaT Center for Human Genetics Tuebingen
Classification: Likely benign. Last evaluated: 2026-02-01. Review status: criteria provided, single submitter. Criteria: CeGaT Center For Human Genetics Tuebingen Variant Classification Criteria Version 2. Collection method: clinical testing. Allele origin: germline. Affected: yes. Observed: 2 variant alleles.
Comment: UNC93B1: BP4, BP7

Labcorp Genetics (formerly Invitae), Labcorp
Classification: Likely benign for Encephalopathy, acute, infection-induced (herpes-specific), susceptibility to, 1. Last evaluated: 2025-12-10. Review status: criteria provided, single submitter. Criteria: Invitae Variant Classification Sherloc (09022015). Collection method: clinical testing. Allele origin: germline.

Ambry Genetics
Classification: Likely benign. Last evaluated: 2024-12-17. Review status: criteria provided, single submitter. Criteria: Ambry Variant Classification Scheme 2023. Collection method: clinical testing. Allele origin: germline.

Blueprint Genetics
Classification: Likely benign. Last evaluated: 2024-11-21. Review status: criteria provided, single submitter. Criteria: ACMG Guidelines, 2015. Collection method: clinical testing. Allele origin: germline.